The following is an entry in ClinVar:

NM_000264.5(PTCH1):c.3141T>G (p.Leu1047=)

Gene: PTCH1 (patched 1; minus strand). Cytogenetic location: 9q22.32.
Variant type: single nucleotide variant.
Coding change: c.3141T>G on transcript NM_000264.5 (MANE Select); coding-DNA position 3141, T replaced by G.
Protein change: p.Leu1047=; no amino-acid change (leucine 1047 retained).
Molecular consequence: synonymous variant. On other transcripts: non-coding transcript variant (1).
Genome position (GRCh38, 1-based): chr9:95,458,040, A>C on the plus strand (T>G on the coding strand, the complement: PTCH1 is on the minus strand). VCF-style: chr9-95458040-A-C. GRCh37 (hg19) VCF-style: chr9-98220322-A-C.
Other names: p.Leu1047=; c.2943T>G, p.Leu981= (NM_001083602.3); c.3138T>G, p.Leu1046= (NM_001083603.3); c.2688T>G, p.Leu896= (NM_001083604.3, NM_001083605.3, NM_001083606.3 and 1 more transcripts); c.2985T>G, p.Leu995= (NM_001354918.2).
Identifiers: ClinVar variation 255681 (VCV000255681.30), dbSNP rs2066835, ClinGen allele CA5138248.

ClinVar aggregate classification (germline): Benign. Review status: criteria provided, multiple submitters, no conflicts (2 of 4 stars). 14 submissions from 13 submitters: Benign (14). Last evaluated 2026-02-04.

Conditions:
Basal cell nevus syndrome 1 (BCNS1). Also called: GORLIN-GOLTZ SYNDROME; MULTIPLE BASAL CELL NEVI, ODONTOGENIC KERATOCYSTS, AND SKELETAL ANOMALIES. Identifiers: MedGen CN376810, MONDO:0958174, OMIM 109400.
Holoprosencephaly 7 (HPE7). Identifiers: Orphanet 2162, MedGen C1835820, MONDO:0012562, OMIM 610828.
Basal cell carcinoma, susceptibility to, 1. Also called: BCC1. Identifiers: MedGen C2751544, MONDO:0011556, OMIM 605462.
Hereditary cancer-predisposing syndrome. Also called: Neoplastic Syndromes, Hereditary; Tumor predisposition; Hereditary neoplastic syndrome; Hereditary Cancer Syndrome. Identifiers: Orphanet 140162, MedGen C0027672, MeSH D009386, MONDO:0015356.
Gorlin syndrome. Also called: Nevoid Basal Cell Carcinoma Syndrome; Basal cell nevus syndrome. Identifiers: Orphanet 377, MedGen C0004779, MONDO:0007187.

Allele frequency attached by ClinVar (database versions not stated): ESP Exome Variant Server 0.03583; gnomAD 0.03773 and 0.03806; TOPMed 0.04152; 1000 Genomes Project 0.06749; 1000 Genomes Project 30x 0.06808.
gnomAD v4.1: 19,701 of 1,614,126 alleles (1.2%); highest among the groups gnomAD compares: African/African-American, 11%; 872 homozygotes.

Submissions (14):

Labcorp Genetics (formerly Invitae), Labcorp
Classification: Benign for Gorlin syndrome. Last evaluated: 2026-02-04. Review status: criteria provided, single submitter. Criteria: Invitae Variant Classification Sherloc (09022015). Collection method: clinical testing. Allele origin: germline.

Quest Diagnostics Nichols Institute San Juan Capistrano
Classification: Benign. Last evaluated: 2025-06-02. Review status: criteria provided, single submitter. Criteria: Quest Diagnostics criteria. Collection method: clinical testing. Allele origin: unknown.

Center for Genomic Medicine, Rigshospitalet, Copenhagen University Hospital
Classification: Benign. Last evaluated: 2025-03-04. Review status: criteria provided, single submitter. Criteria: ACMG Guidelines, 2015. Collection method: clinical testing. Allele origin: germline.

Blueprint Genetics
Classification: Benign. Last evaluated: 2024-11-27. Review status: criteria provided, single submitter. Criteria: ACMG Guidelines, 2015. Collection method: clinical testing. Allele origin: germline.

KCCC/NGS Laboratory, Kuwait Cancer Control Center
Classification: Benign for Basal cell nevus syndrome 1. Last evaluated: 2023-07-07. Review status: criteria provided, single submitter. Criteria: ACMG Guidelines, 2015. Collection method: clinical testing. Allele origin: germline. Affected: yes.

Department of Pathology and Laboratory Medicine, Sinai Health System
Classification: Benign for Basal cell nevus syndrome 1; Basal cell carcinoma, susceptibility to, 1; Holoprosencephaly 7. Last evaluated: 2022-06-23. Review status: criteria provided, single submitter. Criteria: ACMG Guidelines, 2015. Collection method: clinical testing. Allele origin: germline. Affected: yes.

Mayo Clinic Laboratories, Mayo Clinic
Classification: Benign. Last evaluated: 2021-04-25. Review status: criteria provided, single submitter. Criteria: ACMG Guidelines, 2015. Collection method: clinical testing. Allele origin: germline. Observed: 4 variant alleles.

Illumina Laboratory Services, Illumina
Classification: Benign for Holoprosencephaly 7. Last evaluated: 2018-01-12. Review status: criteria provided, single submitter. Criteria: ICSL Variant Classification Criteria 13 December 2019. Collection method: clinical testing. Allele origin: germline.
Comment: This variant was observed in the ICSL laboratory as part of a predisposition screen in an ostensibly healthy population. It had not been previously curated by ICSL or reported in the Human Gene Mutation Database (HGMD: prior to June 1st, 2018), and was therefore a candidate for classification through an automated scoring system. Utilizing variant allele frequency, disease prevalence and penetrance estimates, and inheritance mode, an automated score was calculated to assess if this variant is too frequent to cause the disease. Based on the score and internal cut-off values, a variant classified as benign is not then subjected to further curation. The score for this variant resulted in a classification of benign for this disease.

Illumina Laboratory Services, Illumina
Classification: Benign for Basal cell nevus syndrome 1. Last evaluated: 2018-01-12. Review status: criteria provided, single submitter. Criteria: ICSL Variant Classification Criteria 13 December 2019. Collection method: clinical testing. Allele origin: germline.
Comment: the same text as in the submission from Illumina Laboratory Services, Illumina above.

Women's Health and Genetics/Laboratory Corporation of America, LabCorp
Classification: Benign. Last evaluated: 2016-05-24. Review status: criteria provided, single submitter. Criteria: LabCorp Variant Classification Summary - May 2015. Collection method: clinical testing. Allele origin: germline.
Comment: Variant summary: The c.3141T>C (p.Leu1047=) in PTCH1 gene is a synonymous change that involves a non-conserved nucleotide. 5/5 programs in Alamut predict that this variant does not affect normal splicing, however no functional studies supporting this notion were published at the time of evaluation. The variant is present in the control population dataset of ExAC at frequency of 0.0239 (2894/120918 chrs tested), predominantly in individuals of African origin (0.1145; 1179/10292 control chrs) including numerous homozygous occurrences. This frequency exceeds the maximal expected frequency of a pathogenic allele (0.00007) in this gene. The variant of interest was cited as Polymorphism in published reports (Sun, 2008 and Musani, 2013). Taking together, the variant was classified as Benign.

Ambry Genetics
Classification: Benign for Hereditary cancer-predisposing syndrome. Last evaluated: 2016-04-01. Review status: criteria provided, single submitter. Criteria: Ambry Variant Classification Scheme 2023. Collection method: clinical testing. Allele origin: germline.

GeneDx
Classification: Benign. Last evaluated: 2015-03-03. Review status: criteria provided, single submitter. Criteria: GeneDx Variant Classification Process June 2021. Collection method: clinical testing. Allele origin: germline. Affected: yes.

Breakthrough Genomics
Classification: Benign. Review status: criteria provided, single submitter. Criteria: ACMG Guidelines, 2015. Collection method: not provided. Allele origin: germline. Inheritance: Autosomal dominant inheritance. Affected: yes.

PreventionGenetics, part of Exact Sciences
Classification: Benign. Review status: criteria provided, single submitter. Criteria: ACMG Guidelines, 2015. Collection method: clinical testing. Allele origin: germline.

Literature cited by the submitters: PubMed 18502968 (cited by Women's Health and Genetics/Laboratory Corporation of America, LabCorp); PubMed 23313819 (cited by Women's Health and Genetics/Laboratory Corporation of America, LabCorp).